The following is an entry in ClinVar:

ClinVar aggregate classification (germline): Uncertain significance (1 of 4 stars; one submission).

Conditions:
Long QT syndrome (LQTS). Identifiers: MedGen C0023976, MeSH D008133, MONDO:0002442. Disease mechanism: loss of function. Inheritance: Various modes of inheritance.

Submission:

Labcorp Genetics (formerly Invitae), Labcorp
Classification: Uncertain significance for Long QT syndrome. Last evaluated: 2024-03-11. Review status: criteria provided, single submitter. Criteria: Invitae Variant Classification Sherloc (09022015). Collection method: clinical testing. Allele origin: germline.
Comment: This sequence change replaces serine, which is neutral and polar, with asparagine, which is neutral and polar, at codon 1942 of the CACNA1C protein (p.Ser1942Asn). This variant is not present in population databases (gnomAD no frequency). This variant has not been reported in the literature in individuals affected with CACNA1C-related conditions. Advanced modeling of protein sequence and biophysical properties (such as structural, functional, and spatial information, amino acid conservation, physicochemical variation, residue mobility, and thermodynamic stability) performed at Invitae indicates that this missense variant is not expected to disrupt CACNA1C protein function with a negative predictive value of 95%. In summary, the available evidence is currently insufficient to determine the role of this variant in disease. Therefore, it has been classified as a Variant of Uncertain Significance.

NM_000719.7(CACNA1C):c.5825G>A (p.Ser1942Asn)

Genes: CACNA1C (calcium voltage-gated channel subunit alpha1 C; plus strand), CACNA1C-AS1 (CACNA1C antisense RNA 1; minus strand). Cytogenetic location: 12p13.33.
Variant type: single nucleotide variant.
Coding change: c.5825G>A on transcript NM_000719.7 (MANE Select); coding-DNA position 5825, G replaced by A.
Protein change: p.Ser1942Asn; replaces serine 1942 with asparagine.
Molecular consequence: missense variant.
Genome position (GRCh38, 1-based): chr12:2,688,487, G>A. VCF-style: chr12-2688487-G-A. GRCh37 (hg19) VCF-style: chr12-2797653-G-A.
Other names: c.5969G>A, p.Ser1990Asn (NM_001129827.2); c.5948G>A, p.Ser1983Asn (NM_001129829.2); c.5930G>A, p.Ser1977Asn (NM_001129830.3, NM_001167624.3); c.5909G>A, p.Ser1970Asn (NM_001129831.2); c.5885G>A, p.Ser1962Asn (NM_001129832.2); c.5882G>A, p.Ser1961Asn (NM_001129833.2, NM_001129834.2, NM_001129835.2); c.5876G>A, p.Ser1959Asn (NM_001129836.2); c.5849G>A, p.Ser1950Asn (NM_001129837.2, NM_001129838.2); and 6 more; short protein forms S1931N, S1939N, S1942N, S1948N, S1950N, S1959N, S1961N, S1962N.
Identifiers: ClinVar variation 3625527 (VCV003625527.2).